The following is an entry in ClinVar:

NM_000038.6(APC):c.7780T>C (p.Ser2594Pro)

Gene: APC (APC regulator of Wnt signaling pathway; plus strand). Cytogenetic location: 5q22.2.
Variant type: single nucleotide variant.
Coding change: c.7780T>C on transcript NM_000038.6 (MANE Select); coding-DNA position 7780, T replaced by C.
Protein change: p.Ser2594Pro; replaces serine 2594 with proline.
Molecular consequence: missense variant.
Genome position (GRCh38, 1-based): chr5:112,843,374, T>C. VCF-style: chr5-112843374-T-C. GRCh37 (hg19) VCF-style: chr5-112179071-T-C.
Other names: c.7780T>C, p.Ser2594Pro (NM_001127510.3, NM_001354895.2); c.7726T>C, p.Ser2576Pro (NM_001127511.3); c.7834T>C, p.Ser2612Pro (NM_001354896.2); c.7810T>C, p.Ser2604Pro (NM_001354897.2); c.7705T>C, p.Ser2569Pro (NM_001354898.2); c.7696T>C, p.Ser2566Pro (NM_001354899.2); c.7657T>C, p.Ser2553Pro (NM_001354900.2); c.7603T>C, p.Ser2535Pro (NM_001354901.2); and 5 more; short protein forms S2569P, S2434P, S2493P, S2553P, S2576P, S2604P, S2311P, S2503P.
Identifiers: ClinVar variation 1482706 (VCV001482706.8), dbSNP rs2149993690, ClinGen allele CA16038233.
Genomic context (GRCh38, chr5:112,843,374, plus strand): 5'-CTTTCTGCTTCATCAGAATCCAGTGAAAAAGCAAAAAGTGAGGATGAAAAACATGTGAAC[T>C]CTATTTCAGGAACCAAACAAAGTAAAGAAAACCAAGTATCCGCAAAAGGAACATGGAGAA-3'
Protein context (NP_000029.2, residues 2584-2604): AKSEDEKHVN[Ser2594Pro]ISGTKQSKEN

ClinVar aggregate classification (germline): Uncertain significance (1 of 4 stars; one submission).

Conditions:
Familial adenomatous polyposis 1 (FAP1). Also called: FAMILIAL ADENOMATOUS POLYPOSIS 1, ATTENUATED; POLYPOSIS, ADENOMATOUS INTESTINAL. Identifiers: MedGen C2713442, MONDO:0021056, OMIM 175100. Disease mechanism: loss of function.

Submission:

Labcorp Genetics (formerly Invitae), Labcorp
Classification: Uncertain significance for Familial adenomatous polyposis 1. Last evaluated: 2021-07-25. Review status: criteria provided, single submitter. Criteria: Invitae Variant Classification Sherloc (09022015). Collection method: clinical testing. Allele origin: germline.
Comment: This variant has not been reported in the literature in individuals affected with APC-related conditions. This variant is not present in population databases (ExAC no frequency). This sequence change replaces serine with proline at codon 2594 of the APC protein (p.Ser2594Pro). The serine residue is moderately conserved and there is a moderate physicochemical difference between serine and proline. Algorithms developed to predict the effect of missense changes on protein structure and function (SIFT, PolyPhen-2, Align-GVGD) all suggest that this variant is likely to be tolerated. In summary, the available evidence is currently insufficient to determine the role of this variant in disease. Therefore, it has been classified as a Variant of Uncertain Significance.